The following is an entry in ClinVar:

ClinVar aggregate classification (germline): Uncertain significance (0 of 4 stars; one submission).

Conditions:
DYRK1B-related disorder. Also called: DYRK1B-related condition.

gnomAD v4.1: 3 of 1,614,004 alleles (0.00019%); highest among the groups gnomAD compares: African/African-American, 0.0013%; no homozygotes.

Submission:

PreventionGenetics, part of Exact Sciences
Classification: Uncertain significance for DYRK1B-related condition. Last evaluated: 2024-03-14. Review status: no assertion criteria provided. Collection method: clinical testing. Allele origin: germline.
Comment: The DYRK1B c.349A>G variant is predicted to result in the amino acid substitution p.Ile117Val. To our knowledge, this variant has not been reported in the literature or in a large population database, indicating this variant is rare. At this time, the clinical significance of this variant is uncertain due to the absence of conclusive functional and genetic evidence.

NM_004714.3(DYRK1B):c.349A>G (p.Ile117Val)

Gene: DYRK1B (dual specificity tyrosine phosphorylation regulated kinase 1B; minus strand). Cytogenetic location: 19q13.2.
Variant type: single nucleotide variant.
Coding change: c.349A>G on transcript NM_004714.3 (MANE Select); coding-DNA position 349, A replaced by G.
Protein change: p.Ile117Val; replaces isoleucine 117 with valine.
Molecular consequence: missense variant.
Genome position (GRCh38, 1-based): chr19:39,830,398, T>C on the plus strand (A>G on the coding strand, the complement: DYRK1B is on the minus strand). VCF-style: chr19-39830398-T-C. GRCh37 (hg19) VCF-style: chr19-40321038-T-C.
Other names: c.349A>G, p.Ile117Val (NM_006483.3, NM_006484.3); short protein forms I117V.
Identifiers: ClinVar variation 3358700 (VCV003358700.1).
Genomic context (GRCh38, chr19:39,830,398, plus strand): 5'-GGGGCCTTGGATCAGGGTGGTGGGGGGTGTCCCACACCTGGCCAAAGGAGCCTTTGCCAA[T>C]GAGCGAGTCAATTTCGTAGCGCTCCAGCCAGCGCTCGCCACTGCGCACGATGTAGTCATG-3'
Protein context (NP_004705.1, residues 107-127): WLERYEIDSL[Ile117Val]GKGSFGQVVK